The following is an entry in ClinVar:

ClinVar aggregate classification (germline): Benign. Review status: criteria provided, multiple submitters, no conflicts (2 of 4 stars). 11 submissions from 11 submitters: Benign (8). 3 of the submissions do not count toward it. Last evaluated 2026-02-04.

Conditions:
Inborn genetic diseases. Identifiers: MedGen C0950123, MeSH D030342.
Intellectual developmental disorder, autosomal recessive 13. Also called: Intellectual disability, autosomal recessive 13. Identifiers: Orphanet 88616, MedGen C2750791, MONDO:0013173, OMIM 613192.

Allele frequency attached by ClinVar (database versions not stated): 1000 Genomes Project 30x 0.53170; 1000 Genomes Project 0.53894; gnomAD exomes 0.53962 and 0.56051; ExAC 0.54465; TOPMed 0.54525; gnomAD 0.55788 and 0.55845; ESP Exome Variant Server 0.56582.
gnomAD v4.1: 903,845 of 1,613,678 alleles (56%); highest among the groups gnomAD compares: Non-Finnish European, 57%; 254,595 homozygotes.

Submissions (11):

Labcorp Genetics (formerly Invitae), Labcorp
Classification: Benign. Last evaluated: 2026-02-04. Review status: criteria provided, single submitter. Criteria: Invitae Variant Classification Sherloc (09022015). Collection method: clinical testing. Allele origin: germline.

Blueprint Genetics
Classification: Benign. Last evaluated: 2024-11-27. Review status: criteria provided, single submitter. Criteria: ACMG Guidelines, 2015. Collection method: clinical testing. Allele origin: germline.

Mayo Clinic Laboratories, Mayo Clinic
Classification: Benign. Last evaluated: 2022-03-10. Review status: criteria provided, single submitter. Criteria: ACMG Guidelines, 2015. Collection method: clinical testing. Allele origin: germline. Observed: 17 variant alleles.

Genome-Nilou Lab
Classification: Benign for Intellectual developmental disorder, autosomal recessive 13. Last evaluated: 2021-09-10. Review status: criteria provided, single submitter. Criteria: ACMG Guidelines, 2015. Collection method: clinical testing. Allele origin: germline. Affected: no.

GeneDx
Classification: Benign. Last evaluated: 2018-07-07. Review status: criteria provided, single submitter. Criteria: GeneDx Variant Classification Process June 2021. Collection method: clinical testing. Allele origin: germline. Affected: yes.

Ambry Genetics
Classification: Benign for Inborn genetic diseases. Last evaluated: 2016-03-11. Review status: criteria provided, single submitter. Criteria: Ambry Variant Classification Scheme 2023. Collection method: clinical testing. Allele origin: germline.

Breakthrough Genomics
Classification: Benign. Review status: criteria provided, single submitter. Criteria: ACMG Guidelines, 2015. Collection method: not provided. Allele origin: germline. Inheritance: Autosomal recessive inheritance. Affected: yes.

PreventionGenetics, part of Exact Sciences
Classification: Benign. Review status: criteria provided, single submitter. Criteria: ACMG Guidelines, 2015. Collection method: clinical testing. Allele origin: germline.

Diagnostic Laboratory, Department of Genetics, University Medical Center Groningen
Classification: Benign. Review status: no assertion criteria provided. Collection method: clinical testing. Allele origin: germline. Affected: yes. Study: VKGL Data-share Consensus. Not counted in ClinVar's aggregate classification.

Genetic Services Laboratory, University of Chicago
Classification: Likely benign for AllHighlyPenetrant. Review status: no assertion criteria provided. Collection method: clinical testing. Allele origin: germline. Inheritance: Autosomal recessive inheritance. Not counted in ClinVar's aggregate classification.
Comment: Likely benign based on allele frequency in 1000 Genomes Project or ESP global frequency and its presence in a patient with a rare or unrelated disease phenotype. NOT Sanger confirmed.

Joint Genome Diagnostic Labs from Nijmegen and Maastricht, Radboudumc and MUMC+
Classification: Benign. Review status: no assertion criteria provided. Collection method: clinical testing. Allele origin: germline. Affected: yes. Study: VKGL Data-share Consensus. Not counted in ClinVar's aggregate classification.

NM_001160372.4(TRAPPC9):c.288T>C (p.Phe96=)

Gene: TRAPPC9 (trafficking protein particle complex subunit 9; minus strand). Cytogenetic location: 8q24.3.
Variant type: single nucleotide variant.
Coding change: c.288T>C on transcript NM_001160372.4 (MANE Select); coding-DNA position 288, T replaced by C.
Protein change: p.Phe96=; no amino-acid change (phenylalanine 96 retained).
Molecular consequence: synonymous variant. On other transcripts: non-coding transcript variant (1).
Genome position (GRCh38, 1-based): chr8:140,451,086, A>G on the plus strand (T>C on the coding strand, the complement: TRAPPC9 is on the minus strand). VCF-style: chr8-140451086-A-G. GRCh37 (hg19) VCF-style: chr8-141461185-A-G.
Other names: p.Phe194=; c.582T>C (NM_031466.7); c.288T>C, p.Phe96= (NM_001321646.2, NM_001374682.1, NM_001374683.1 and 2 more transcripts).
Identifiers: ClinVar variation 130635 (VCV000130635.37), dbSNP rs3735802, ClinGen allele CA155791.